The following is an entry in ClinVar:

NM_001875.5(CPS1):c.4003-2A>C

Gene: CPS1 (carbamoyl-phosphate synthase 1; plus strand). Cytogenetic location: 2q34.
Variant type: single nucleotide variant.
Coding change: c.4003-2A>C on transcript NM_001875.5 (MANE Select); the canonical splice acceptor site of the intron before coding-DNA position 4003, A replaced by C.
Molecular consequence: splice acceptor variant.
Genome position (GRCh38, 1-based): chr2:210,668,184, A>C. VCF-style: chr2-210668184-A-C. GRCh37 (hg19) VCF-style: chr2-211532908-A-C.
Other names: c.4003-2A>C (NM_001369257.1, NM_001122633.3); c.4036-2A>C (NM_001369256.1).
Identifiers: ClinVar variation 2963728 (VCV002963728.3), dbSNP rs1553518719, ClinGen allele CA350439852.
Genomic context (GRCh38, chr2:210,668,184, plus strand): 5'-GGTAGGAGTGGTTGACTATTCTTTGCATCCTCTATTTTAATTTTTTATTTATTTCTAAAC[A>C]GGTGGCTTGCTTTGGTGAAGGTATTCATACAGCCTTCCTAAAGGCAATGCTTTCCACAGG-3'

ClinVar aggregate classification (germline): Likely pathogenic (1 of 4 stars; one submission).

Conditions:
Congenital hyperammonemia, type I. Also called: CPS I DEFICIENCY; Carbamoyl phosphate synthetase I deficiency disease; Carbamoyl-phosphate synthase I deficiency; Carbamoyl phosphate synthetase 1 deficiency; Hyperammonemia due to carbamoyl phosphate synthetase 1 deficiency; CPS 1 deficiency. Identifiers: Orphanet 147, MedGen C4082171, MONDO:0009376, OMIM 237300.

Submission:

Labcorp Genetics (formerly Invitae), Labcorp
Classification: Likely pathogenic for Congenital hyperammonemia, type I. Last evaluated: 2023-04-08. Review status: criteria provided, single submitter. Criteria: Invitae Variant Classification Sherloc (09022015). Collection method: clinical testing. Allele origin: germline.
Comment: Algorithms developed to predict the effect of sequence changes on RNA splicing suggest that this variant may disrupt the consensus splice site. In summary, the currently available evidence indicates that the variant is pathogenic, but additional data are needed to prove that conclusively. Therefore, this variant has been classified as Likely Pathogenic. This variant has not been reported in the literature in individuals affected with CPS1-related conditions. This variant is not present in population databases (gnomAD no frequency). This sequence change affects an acceptor splice site in intron 33 of the CPS1 gene. It is expected to disrupt RNA splicing. Variants that disrupt the donor or acceptor splice site typically lead to a loss of protein function (PMID: 16199547), and loss-of-function variants in CPS1 are known to be pathogenic (PMID: 21120950).

Literature cited by the submitters: PubMed 16199547; PubMed 21120950.